The following is an entry in ClinVar:

ClinVar aggregate classification (germline): Uncertain significance (1 of 4 stars; one submission).

Conditions:
Cardiovascular phenotype. Identifiers: MedGen CN230736.

Submission:

Ambry Genetics
Classification: Uncertain significance for Cardiovascular phenotype. Last evaluated: 2025-08-22. Review status: criteria provided, single submitter. Criteria: Ambry Variant Classification Scheme 2023. Collection method: clinical testing. Allele origin: germline.
Comment: The p.V579F variant (also known as c.1735G>T), located in coding exon 15 of the PTPN11 gene, results from a G to T substitution at nucleotide position 1735. The valine at codon 579 is replaced by phenylalanine, an amino acid with highly similar properties. This amino acid position is conserved. In addition, the in silico prediction for this alteration is inconclusive. Based on the available evidence, the clinical significance of this variant remains unclear.

NM_002834.5(PTPN11):c.1735G>T (p.Val579Phe)

Gene: PTPN11 (protein tyrosine phosphatase non-receptor type 11; plus strand). Cytogenetic location: 12q24.13.
Variant type: single nucleotide variant.
Coding change: c.1735G>T on transcript NM_002834.5 (MANE Select); coding-DNA position 1735, G replaced by T.
Protein change: p.Val579Phe; replaces valine 579 with phenylalanine.
Molecular consequence: missense variant.
Genome position (GRCh38, 1-based): chr12:112,504,717, G>T. VCF-style: chr12-112504717-G-T. GRCh37 (hg19) VCF-style: chr12-112942521-G-T.
Other names: c.1747G>T, p.Val583Phe (NM_001330437.2); c.1732G>T, p.Val578Phe (NM_001374625.1); short protein forms V578F, V579F, V583F.
Identifiers: ClinVar variation 4147374 (VCV004147374.1).
Genomic context (GRCh38, chr12:112,504,717, plus strand): 5'-CATTTTTGTAAATGTCTTTCTTTTTCTTTTCTCTCCAGAATGAGAGAAGACAGTGCTAGA[G>T]TCTATGAAAACGTGGGCCTGATGCAACAGCAGAAAAGTTTCAGATGAGAAAACCTGCCAA-3'
Protein context (NP_002825.3, residues 569-589): CAEMREDSAR[Val579Phe]YENVGLMQQQ